The following is an entry in ClinVar:

ClinVar aggregate classification (germline): Uncertain significance (1 of 4 stars; one submission).

Conditions:
Duchenne muscular dystrophy (DMD). Also called: Duchenne Muscular Dystrophy (DMD); MUSCULAR DYSTROPHY, PSEUDOHYPERTROPHIC PROGRESSIVE, DUCHENNE TYPE. Identifiers: Orphanet 98896, MedGen C0013264, MONDO:0010679, OMIM 310200.

Submission:

Labcorp Genetics (formerly Invitae), Labcorp
Classification: Uncertain significance for Duchenne muscular dystrophy. Last evaluated: 2026-01-08. Review status: criteria provided, single submitter. Criteria: Invitae Variant Classification Sherloc (09022015). Collection method: clinical testing. Allele origin: germline.
Comment: This sequence change replaces leucine, which is neutral and non-polar, with proline, which is neutral and non-polar, at codon 1555 of the DMD protein (p.Leu1555Pro). This variant is not present in population databases (gnomAD no frequency). This variant has not been reported in the literature in individuals affected with DMD-related conditions. Invitae Evidence Modeling of protein sequence and biophysical properties (such as structural, functional, and spatial information, amino acid conservation, physicochemical variation, residue mobility, and thermodynamic stability) indicates that this missense variant is not expected to disrupt DMD protein function with a negative predictive value of 95%. In summary, the available evidence is currently insufficient to determine the role of this variant in disease. Therefore, it has been classified as a Variant of Uncertain Significance.

NM_004006.3(DMD):c.4664T>C (p.Leu1555Pro)

Gene: DMD (dystrophin; minus strand). Cytogenetic location: Xp21.1.
Variant type: single nucleotide variant.
Coding change: c.4664T>C on transcript NM_004006.3 (MANE Select); coding-DNA position 4664, T replaced by C.
Protein change: p.Leu1555Pro; replaces leucine 1555 with proline.
Molecular consequence: missense variant.
Genome position (GRCh38, 1-based): chrX:32,386,320, A>G on the plus strand (T>C on the coding strand, the complement: DMD is on the minus strand). VCF-style: chrX-32386320-A-G. GRCh37 (hg19) VCF-style: chrX-32404437-A-G.
Other names: c.4640T>C, p.Leu1547Pro (NM_000109.4); c.4652T>C, p.Leu1551Pro (NM_004009.3); c.4295T>C, p.Leu1432Pro (NM_004010.3); c.641T>C, p.Leu214Pro (NM_004011.4); c.632T>C, p.Leu211Pro (NM_004012.4); short protein forms L1432P, L1547P, L1551P, L1555P, L211P, L214P.
Identifiers: ClinVar variation 4800963 (VCV004800963.1).
Genomic context (GRCh38, chrX:32,386,320, plus strand): 5'-ATTTATAAGGAAAGTGGAAAGAAGTGTTTGTGGTCTCAGCATGCACACACCTTTGCTCCC[A>G]GCTCATTATAATGCAATTTCAAAGCTGTTACTCTTTCATCAAGTTCTTTGGGATTTTCCG-3'
Protein context (NP_003997.2, residues 1545-1565): VTALKLHYNE[Leu1555Pro]GAKVTERKQQ